The following is an entry in ClinVar:

ClinVar aggregate classification (germline): Conflicting classifications of pathogenicity. Review status: criteria provided, conflicting classifications (1 of 4 stars). 3 submissions from 3 submitters: Uncertain significance (2); Likely benign (1). Last evaluated 2025-10-07.

Conditions:
Primary ciliary dyskinesia. Also called: Ciliary dyskinesia. Identifiers: Orphanet 244, MedGen C0008780, MONDO:0016575, HP:0012265.

Allele frequency attached by ClinVar (database versions not stated): gnomAD 0.00001; TOPMed 0.00001; gnomAD exomes 0.00004; ExAC 0.00007; 1000 Genomes Project 0.00040; 1000 Genomes Project 30x 0.00047.

Submissions (3):

Ambry Genetics
Classification: Uncertain significance for Primary ciliary dyskinesia. Last evaluated: 2025-10-07. Review status: criteria provided, single submitter. Criteria: Ambry Variant Classification Scheme 2023. Collection method: clinical testing. Allele origin: germline.

Labcorp Genetics (formerly Invitae), Labcorp
Classification: Likely benign for Primary ciliary dyskinesia. Last evaluated: 2025-01-08. Review status: criteria provided, single submitter. Criteria: Invitae Variant Classification Sherloc (09022015). Collection method: clinical testing. Allele origin: germline.

GeneDx
Classification: Uncertain significance. Last evaluated: 2023-06-28. Review status: criteria provided, single submitter. Criteria: GeneDx Variant Classification Process June 2021. Collection method: clinical testing. Allele origin: germline. Affected: yes.
Comment: In silico analysis supports that this missense variant has a deleterious effect on protein structure/function; Has not been previously published as pathogenic or benign to our knowledge

NM_023036.6(DNAI2):c.1052C>T (p.Thr351Met)

Gene: DNAI2 (dynein axonemal intermediate chain 2; plus strand). Cytogenetic location: 17q25.1.
Variant type: single nucleotide variant.
Coding change: c.1052C>T on transcript NM_023036.6 (MANE Select); coding-DNA position 1052, C replaced by T.
Protein change: p.Thr351Met; replaces threonine 351 with methionine.
Molecular consequence: missense variant. On other transcripts: non-coding transcript variant (1).
Genome position (GRCh38, 1-based): chr17:74,305,283, C>T. VCF-style: chr17-74305283-C-T. GRCh37 (hg19) VCF-style: chr17-72301422-C-T.
Other names: c.1052C>T, p.Thr351Met (NM_001172810.3, NM_001353167.2); c.1052C>T (NM_023036.4); short protein forms T351M.
Identifiers: ClinVar variation 2043560 (VCV002043560.4), dbSNP rs548988225, ClinGen allele CA8745597.